The following is an entry in ClinVar:

NM_144967.4(ARHGAP36):c.167C>G (p.Ser56Cys)

Gene: ARHGAP36 (Rho GTPase activating protein 36; plus strand). Cytogenetic location: Xq26.1.
Variant type: single nucleotide variant.
Coding change: c.167C>G on transcript NM_144967.4 (MANE Select); coding-DNA position 167, C replaced by G.
Protein change: p.Ser56Cys; replaces serine 56 with cysteine.
Molecular consequence: missense variant.
Genome position (GRCh38, 1-based): chrX:131,081,832, C>G. VCF-style: chrX-131081832-C-G. GRCh37 (hg19) VCF-style: chrX-130215806-C-G.
Other names: c.131C>G, p.Ser44Cys (NM_001282607.2); short protein forms S44C, S56C.
Identifiers: ClinVar variation 2412282 (VCV002412282.3), dbSNP rs1435847344, ClinGen allele CA414668831.
Genomic context (GRCh38, chrX:131,081,832, plus strand): 5'-GAGGAGCCCCAGGACACAACCCCGACCGCAGGACGAAGATGGTATCGATACACAGCCTCT[C>G]TGAGCTGGAGCGTCTGAAGCTGCAAGAGACTGCTTACCACGAACTCGTGGCCAGACATTT-3'
Protein context (NP_659404.2, residues 46-66): RTKMVSIHSL[Ser56Cys]ELERLKLQET

ClinVar aggregate classification (germline): Uncertain significance (1 of 4 stars; one submission).

Allele frequency attached by ClinVar (database versions not stated): TOPMed 0.00006; gnomAD exomes below 0.00001.
gnomAD v4.1: 10 of 1,212,207 alleles (0.00082%); highest among the groups gnomAD compares: Admixed American, 0.0043%; no homozygotes.

Submission:

Ambry Genetics
Classification: Uncertain significance. Last evaluated: 2026-07-14. Review status: criteria provided, single submitter. Criteria: Ambry Variant Classification Scheme 2023. Collection method: clinical testing. Allele origin: germline.
Comment: The c.167C>G (p.S56C) alteration is located in exon 2 (coding exon 1) of the ARHGAP36 gene. This alteration results from a C to G substitution at nucleotide position 167, causing the serine (S) at amino acid position 56 to be replaced by a cysteine (C). Based on data from gnomAD, the G allele has an overall frequency of 0.001% (2/183416) total alleles studied. The highest observed frequency was 0.022% (1/4533) of Other alleles. Based on insufficient or conflicting evidence, the clinical significance of this alteration remains unclear.